The following is an entry in ClinVar:

NM_080473.5(GATA5):c.1115C>G (p.Pro372Arg)

Gene: GATA5 (GATA binding protein 5; minus strand). Cytogenetic location: 20q13.33.
Variant type: single nucleotide variant.
Coding change: c.1115C>G on transcript NM_080473.5 (MANE Select); coding-DNA position 1115, C replaced by G.
Protein change: p.Pro372Arg; replaces proline 372 with arginine.
Molecular consequence: missense variant.
Genome position (GRCh38, 1-based): chr20:62,464,915, G>C on the plus strand (C>G on the coding strand, the complement: GATA5 is on the minus strand). VCF-style: chr20-62464915-G-C. GRCh37 (hg19) VCF-style: chr20-61039971-G-C.
Other names: short protein forms P372R.
Identifiers: ClinVar variation 1319039 (VCV001319039.7), dbSNP rs1402045595, ClinGen allele CA409551721.

ClinVar aggregate classification (germline): Uncertain significance. Review status: criteria provided, multiple submitters, no conflicts (2 of 4 stars). 2 submissions from 2 submitters: Uncertain significance (2). Last evaluated 2024-11-19.

gnomAD v4.1: 3 of 1,611,618 alleles (0.00019%); highest among the groups gnomAD compares: Non-Finnish European, 0.00025%; no homozygotes.

Submissions (2):

Labcorp Genetics (formerly Invitae), Labcorp
Classification: Uncertain significance. Last evaluated: 2024-11-19. Review status: criteria provided, single submitter. Criteria: Invitae Variant Classification Sherloc (09022015). Collection method: clinical testing. Allele origin: germline.
Comment: This sequence change replaces proline, which is neutral and non-polar, with arginine, which is basic and polar, at codon 372 of the GATA5 protein (p.Pro372Arg). This variant is not present in population databases (gnomAD no frequency). This variant has not been reported in the literature in individuals affected with GATA5-related conditions. ClinVar contains an entry for this variant (Variation ID: 1319039). An algorithm developed to predict the effect of missense changes on protein structure and function (PolyPhen-2) suggests that this variant is likely to be tolerated. In summary, the available evidence is currently insufficient to determine the role of this variant in disease. Therefore, it has been classified as a Variant of Uncertain Significance.

GeneDx
Classification: Uncertain significance. Last evaluated: 2019-05-03. Review status: criteria provided, single submitter. Criteria: GeneDx Variant Classification Process June 2021. Collection method: clinical testing. Allele origin: germline. Affected: yes.
Comment: Has not been previously published as pathogenic or benign to our knowledge; Not observed in large population cohorts (Lek et al., 2016); In silico analysis, which includes protein predictors and evolutionary conservation, supports a deleterious effect